The following is an entry in ClinVar:

ClinVar aggregate classification (germline): Benign/Likely benign. Review status: criteria provided, multiple submitters, no conflicts (2 of 4 stars). 4 submissions from 4 submitters: Benign (2); Likely benign (2). Last evaluated 2026-02-01.

Conditions:
Early-infantile DEE. Also called: Early infantile epileptic encephalopathy with suppression bursts; Early infantile epileptic encephalopathy; Ohtahara syndrome. Identifiers: Orphanet 1934, MedGen C0393706, MONDO:0800491.

Allele frequency attached by ClinVar (database versions not stated): gnomAD 0.00001 and 0.00010; TOPMed 0.00001; 1000 Genomes Project 30x 0.00016; 1000 Genomes Project 0.00020; gnomAD exomes 0.00021 and 0.00046; ExAC 0.00047.
gnomAD v4.1: 323 of 1,613,816 alleles (0.02%); highest among the groups gnomAD compares: South Asian, 0.34%; 5 homozygotes.

Submissions (4):

CeGaT Center for Human Genetics Tuebingen
Classification: Likely benign. Last evaluated: 2026-02-01. Review status: criteria provided, single submitter. Criteria: CeGaT Center For Human Genetics Tuebingen Variant Classification Criteria Version 2. Collection method: clinical testing. Allele origin: germline. Affected: yes. Observed: 2 variant alleles.
Comment: SCN8A: BP4, BS1

Labcorp Genetics (formerly Invitae), Labcorp
Classification: Benign for Early-infantile DEE. Last evaluated: 2025-07-15. Review status: criteria provided, single submitter. Criteria: Invitae Variant Classification Sherloc (09022015). Collection method: clinical testing. Allele origin: germline.

Blueprint Genetics
Classification: Likely benign. Last evaluated: 2023-12-13. Review status: criteria provided, single submitter. Criteria: ACMG Guidelines, 2015. Collection method: clinical testing. Allele origin: germline.

GeneDx
Classification: Benign. Last evaluated: 2021-06-20. Review status: criteria provided, single submitter. Criteria: GeneDx Variant Classification Process June 2021. Collection method: clinical testing. Allele origin: germline. Affected: yes.

NM_001330260.2(SCN8A):c.888C>G (p.Gly296=)

Gene: SCN8A (sodium voltage-gated channel alpha subunit 8; plus strand). Cytogenetic location: 12q13.13.
Variant type: single nucleotide variant.
Coding change: c.888C>G on transcript NM_001330260.2 (MANE Select); coding-DNA position 888, C replaced by G.
Protein change: p.Gly296=; no amino-acid change (glycine 296 retained).
Molecular consequence: synonymous variant.
Genome position (GRCh38, 1-based): chr12:51,699,751, C>G. VCF-style: chr12-51699751-C-G. GRCh37 (hg19) VCF-style: chr12-52093535-C-G.
Other names: c.888C>G, p.Gly296= (NM_001177984.3, NM_001369788.1, NM_014191.4).
Identifiers: ClinVar variation 1257605 (VCV001257605.30), dbSNP rs565852557, ClinGen allele CA6571163.